The following is an entry in ClinVar:

NM_018136.5(ASPM):c.4363G>T (p.Glu1455Ter)

Gene: ASPM (assembly factor for spindle microtubules; minus strand). Cytogenetic location: 1q31.3.
Variant type: single nucleotide variant.
Coding change: c.4363G>T on transcript NM_018136.5 (MANE Select); coding-DNA position 4363, G replaced by T.
Protein change: p.Glu1455Ter; replaces glutamic acid 1455 with a stop codon.
Molecular consequence: nonsense. On other transcripts: intron variant (1).
Genome position (GRCh38, 1-based): chr1:197,104,888, C>A on the plus strand (G>T on the coding strand, the complement: ASPM is on the minus strand). VCF-style: chr1-197104888-C-A. GRCh37 (hg19) VCF-style: chr1-197074018-C-A.
Other names: NM_018136.5(ASPM):c.4363G>T; p.Glu1455Ter; c.4066-8724G>T (NM_001206846.2); short protein forms E1455*.
Identifiers: ClinVar variation 380612 (VCV000380612.17), dbSNP rs1057520873, ClinGen allele CA16603515.

ClinVar aggregate classification (germline): Pathogenic. Review status: criteria provided, multiple submitters, no conflicts (2 of 4 stars). 7 submissions from 7 submitters: Pathogenic (6). 1 of the submissions does not count toward it. Last evaluated 2024-04-11.

Conditions:
Microcephaly 5, primary, autosomal recessive (MCPH5). Also called: ASPM Primary Microcephaly. Identifiers: Orphanet 2512, MedGen C1837501, MONDO:0012106, OMIM 608716.
ASPM-related disorder. Also called: ASPM-related condition.

Submissions (7):

Blueprint Genetics
Classification: Pathogenic for ASPM-related disorders. Last evaluated: 2024-04-11. Review status: criteria provided, single submitter. Criteria: ACMG Guidelines, 2015. Collection method: clinical testing. Allele origin: germline. Affected: yes. Observed: 2 variant alleles.

Genome-Nilou Lab
Classification: Pathogenic for Microcephaly 5, primary, autosomal recessive. Last evaluated: 2023-04-11. Review status: criteria provided, single submitter. Criteria: ACMG Guidelines, 2015. Collection method: clinical testing. Allele origin: germline. Affected: no.

GeneDx
Classification: Pathogenic. Last evaluated: 2022-07-23. Review status: criteria provided, single submitter. Criteria: GeneDx Variant Classification Process June 2021. Collection method: clinical testing. Allele origin: germline. Affected: yes.
Comment: Nonsense variant predicted to result in protein truncation or nonsense mediated decay in a gene for which loss-of-function is a known mechanism of disease; Not observed in large population cohorts (gnomAD); This variant is associated with the following publications: (PMID: 28454995, 30919572)

Broad Center for Mendelian Genomics, Broad Institute of MIT and Harvard
Classification: Pathogenic for Microcephaly 5, primary, autosomal recessive. Last evaluated: 2022-05-04. Review status: criteria provided, single submitter. Criteria: ACMG Guidelines, 2015. Collection method: curation. Allele origin: germline. Inheritance: Autosomal recessive inheritance.
Comment: The homozygous p.Glu1455Ter variant in ASPM was identified by our study in 3 siblings with autosomal recessive primary microcephaly 5. The variant has not been previously reported in individuals with autosomal recessive primary microcephaly 5, but segregated with disease in 2 affected relatives from the same family, and was absent from large population studies. This variant has been reported in ClinVar (Variation ID: 380612) as pathogenic by GeneDx and Genetic Services Laboratory, University of Chicago, and as likely pathogenic by Biochemical Molecular Genetic Laboratory, King Abdulaziz Medical City. This nonsense variant leads to a premature termination codon at position 1455, which is predicted to lead to a truncated or absent protein. Loss of function of the ASPM gene is an established disease mechanism in autosomal recessive primary microcephaly 5. In summary, this variant meets criteria to be classified as pathogenic for autosomal recessive primary microcephaly 5 based on the predicted impact of the variant, its absence from control populations, and its homozygous appearance in 3 affected siblings. ACMG/AMP Criteria applied: PVS1, PM2, PM3_supporting, PP1 (Richards 2015).

Institute for Clinical Genetics, University Hospital TU Dresden, University Hospital TU Dresden
Classification: Pathogenic. Last evaluated: 2021-11-03. Review status: criteria provided, single submitter. Criteria: ACMG Guidelines, 2015. Collection method: clinical testing. Allele origin: germline.

Genetic Services Laboratory, University of Chicago
Classification: Pathogenic for Microcephaly 5, primary, autosomal recessive. Last evaluated: 2016-01-13. Review status: criteria provided, single submitter. Criteria: ACMG Guidelines, 2015. Collection method: clinical testing. Allele origin: germline. Affected: yes.

Biochemical Molecular Genetic Laboratory, King Abdulaziz Medical City
Classification: Likely pathogenic for Microcephaly 5, primary, autosomal recessive. Last evaluated: 2019-09-26. Review status: no assertion criteria provided. Collection method: clinical testing. Allele origin: germline. Affected: yes. Not counted in ClinVar's aggregate classification.